The following is an entry in ClinVar:

ClinVar aggregate classification (germline): Uncertain significance (1 of 4 stars; one submission).

Allele frequency attached by ClinVar (database versions not stated): gnomAD 0.00005.
gnomAD v4.1: 39 of 1,544,702 alleles (0.0025%); highest among the groups gnomAD compares: Non-Finnish European, 0.0033%; no homozygotes.

Submission:

Ambry Genetics
Classification: Uncertain significance. Last evaluated: 2024-09-19. Review status: criteria provided, single submitter. Criteria: Ambry Variant Classification Scheme 2023. Collection method: clinical testing. Allele origin: germline.
Comment: The p.G116W variant (also known as c.346G>T), located in coding exon 1 of the TERF2IP gene, results from a G to T substitution at nucleotide position 346. The glycine at codon 116 is replaced by tryptophan, an amino acid with highly dissimilar properties. This amino acid position is conserved. In addition, this alteration is predicted to be tolerated by in silico analysis. Since supporting evidence is limited at this time, the clinical significance of this alteration remains unclear.

NM_018975.4(TERF2IP):c.346G>T (p.Gly116Trp)

Gene: TERF2IP (TERF2 interacting protein; plus strand). Cytogenetic location: 16q23.1.
Variant type: single nucleotide variant.
Coding change: c.346G>T on transcript NM_018975.4 (MANE Select); coding-DNA position 346, G replaced by T.
Protein change: p.Gly116Trp; replaces glycine 116 with tryptophan.
Molecular consequence: missense variant. On other transcripts: non-coding transcript variant (1).
Genome position (GRCh38, 1-based): chr16:75,648,228, G>T. VCF-style: chr16-75648228-G-T. GRCh37 (hg19) VCF-style: chr16-75682126-G-T.
Other names: short protein forms G116W.
Identifiers: ClinVar variation 1731724 (VCV001731724.3), dbSNP rs367749459, ClinGen allele CA284334414.